The following is an entry in ClinVar:

NM_022356.4(P3H1):c.438C>A (p.Tyr146Ter)

Gene: P3H1 (prolyl 3-hydroxylase 1; minus strand). Cytogenetic location: 1p34.2.
Variant type: single nucleotide variant.
Coding change: c.438C>A on transcript NM_022356.4 (MANE Select); coding-DNA position 438, C replaced by A.
Protein change: p.Tyr146Ter; replaces tyrosine 146 with a stop codon.
Molecular consequence: nonsense.
Genome position (GRCh38, 1-based): chr1:42,766,534, G>T on the plus strand (C>A on the coding strand, the complement: P3H1 is on the minus strand). VCF-style: chr1-42766534-G-T. GRCh37 (hg19) VCF-style: chr1-43232205-G-T.
Other names: c.438C>A, p.Tyr146Ter (NM_001146289.2, NM_001243246.2); short protein forms Y146*.
Identifiers: ClinVar variation 2166595 (VCV002166595.4), dbSNP rs967101692, ClinGen allele CA21251366.
Genomic context (GRCh38, chr1:42,766,534, plus strand): 5'-ACCCCGGCCGCCTGGTTCCAGGCAGGTCTGCACCTTGAAGTAGGCGACCTGCAGGTAGTT[G>T]TAGGGGCTCCGCTTGCGGAACTCCAGCTCCATCTCTTCGCTGAGCGAGTGGGCGGCCGGC-3'

ClinVar aggregate classification (germline): Pathogenic (1 of 4 stars; one submission).

Conditions:
Osteogenesis imperfecta type 8 (OI8). Identifiers: MedGen C1970458, MONDO:0012581, OMIM 610915.

Allele frequency attached by ClinVar (database versions not stated): gnomAD exomes below 0.00001.

Submission:

Labcorp Genetics (formerly Invitae), Labcorp
Classification: Pathogenic for Osteogenesis imperfecta type 8. Last evaluated: 2022-03-25. Review status: criteria provided, single submitter. Criteria: Invitae Variant Classification Sherloc (09022015). Collection method: clinical testing. Allele origin: germline.
Comment: For these reasons, this variant has been classified as Pathogenic. This variant has not been reported in the literature in individuals affected with P3H1-related conditions. This variant is not present in population databases (gnomAD no frequency). This sequence change creates a premature translational stop signal (p.Tyr146*) in the P3H1 gene. It is expected to result in an absent or disrupted protein product. Loss-of-function variants in P3H1 are known to be pathogenic (PMID: 17277775, 18566967, 19088120, 22281939).

Literature cited by the submitters: PubMed 17277775; PubMed 18566967; PubMed 19088120; PubMed 22281939.